The following is an entry in ClinVar:

ClinVar aggregate classification (germline): Uncertain significance (1 of 4 stars; one submission).

Conditions:
Genitopatellar syndrome (GTPTS). Also called: ABSENT PATELLAE, SCROTAL HYPOPLASIA, RENAL ANOMALIES, FACIAL DYSMORPHISM, AND MENTAL RETARDATION; Genitopatellar syndrome (GPS). Identifiers: Orphanet 85201, MedGen C1853566, MONDO:0011640, OMIM 606170.

Submission:

Labcorp Genetics (formerly Invitae), Labcorp
Classification: Uncertain significance for Genitopatellar syndrome. Last evaluated: 2024-11-27. Review status: criteria provided, single submitter. Criteria: Invitae Variant Classification Sherloc (09022015). Collection method: clinical testing. Allele origin: germline.
Comment: This sequence change replaces serine, which is neutral and polar, with asparagine, which is neutral and polar, at codon 141 of the KAT6B protein (p.Ser141Asn). This variant is not present in population databases (gnomAD no frequency). This variant has not been reported in the literature in individuals affected with KAT6B-related conditions. Invitae Evidence Modeling of protein sequence and biophysical properties (such as structural, functional, and spatial information, amino acid conservation, physicochemical variation, residue mobility, and thermodynamic stability) indicates that this missense variant is not expected to disrupt KAT6B protein function with a negative predictive value of 80%. In summary, the available evidence is currently insufficient to determine the role of this variant in disease. Therefore, it has been classified as a Variant of Uncertain Significance.

NM_012330.4(KAT6B):c.422G>A (p.Ser141Asn)

Gene: KAT6B (lysine acetyltransferase 6B; plus strand). Cytogenetic location: 10q22.2.
Variant type: single nucleotide variant.
Coding change: c.422G>A on transcript NM_012330.4 (MANE Select); coding-DNA position 422, G replaced by A.
Protein change: p.Ser141Asn; replaces serine 141 with asparagine.
Molecular consequence: missense variant. On other transcripts: 5 prime UTR variant (2).
Genome position (GRCh38, 1-based): chr10:74,843,279, G>A. VCF-style: chr10-74843279-G-A. GRCh37 (hg19) VCF-style: chr10-76603037-G-A.
Other names: c.422G>A, p.Ser141Asn (NM_001256468.2, NM_001256469.2, NM_001370132.1 and 10 more transcripts); c.-117G>A (NM_001370134.1, NM_001370135.1); short protein forms S141N.
Identifiers: ClinVar variation 3654622 (VCV003654622.2).